The following is an entry in ClinVar:

NM_006073.4(TRDN):c.853+3A>G

Gene: TRDN (triadin; minus strand). Cytogenetic location: 6q22.31.
Variant type: single nucleotide variant.
Coding change: c.853+3A>G on transcript NM_006073.4 (MANE Select); 3 bases into the intron after coding-DNA position 853, A replaced by G.
Molecular consequence: intron variant.
Genome position (GRCh38, 1-based): chr6:123,497,190, T>C on the plus strand (A>G on the coding strand, the complement: TRDN is on the minus strand). VCF-style: chr6-123497190-T-C. GRCh37 (hg19) VCF-style: chr6-123818335-T-C.
Other names: c.853+3A>G (NM_001251987.2, NM_006073.2); c.793+6529A>G (NM_001256020.2).
Identifiers: ClinVar variation 1302314 (VCV001302314.9), dbSNP rs372783263, ClinGen allele CA3984247.

ClinVar aggregate classification (germline): Uncertain significance. Review status: criteria provided, multiple submitters, no conflicts (2 of 4 stars). 4 submissions from 4 submitters: Uncertain significance (4). Last evaluated 2025-12-26.

Conditions:
Catecholaminergic polymorphic ventricular tachycardia 1. Also called: RYR2-Related Catecholaminergic Polymorphic Ventricular Tachycardia; VENTRICULAR TACHYCARDIA, CATECHOLAMINERGIC POLYMORPHIC, 1, WITH OR WITHOUT ATRIAL DYSFUNCTION AND/OR DILATED CARDIOMYOPATHY; VENTRICULAR TACHYCARDIA, STRESS-INDUCED POLYMORPHIC 1. Identifiers: Orphanet 3286, MedGen C1631597, MONDO:0011484, OMIM 604772.
Cardiovascular phenotype. Identifiers: MedGen CN230736.

Allele frequency attached by ClinVar (database versions not stated): gnomAD 0.00001 and 0.00002; TOPMed 0.00001; ESP Exome Variant Server 0.00017.
gnomAD v4.1: 16 of 1,545,540 alleles (0.001%); highest among the groups gnomAD compares: Admixed American, 0.0041%; no homozygotes.

Submissions (4):

Women's Health and Genetics/Laboratory Corporation of America, LabCorp
Classification: Uncertain significance. Last evaluated: 2025-12-26. Review status: criteria provided, single submitter. Criteria: LabCorp Variant Classification Summary - May 2015. Collection method: clinical testing. Allele origin: germline.

GeneDx
Classification: Uncertain significance. Last evaluated: 2024-02-01. Review status: criteria provided, single submitter. Criteria: GeneDx Variant Classification Process June 2021. Collection method: clinical testing. Allele origin: germline. Affected: yes.
Comment: Has not been previously published as pathogenic or benign to our knowledge; Not observed at significant frequency in large population cohorts (gnomAD); In silico analysis is inconclusive as to whether the variant alters gene splicing. In the absence of RNA/functional studies, the actual effect of this sequence change is unknown.

Ambry Genetics
Classification: Uncertain significance for Cardiovascular phenotype. Last evaluated: 2023-09-15. Review status: criteria provided, single submitter. Criteria: Ambry Variant Classification Scheme 2023. Collection method: clinical testing. Allele origin: germline.
Comment: The c.853+3A>G intronic variant results from an A to G substitution 3 nucleotides after coding exon 9 in the TRDN gene. This nucleotide position is highly conserved in available vertebrate species. In silico splice site analysis predicts that this alteration may weaken the native splice donor site. Since supporting evidence is limited at this time, the clinical significance of this alteration remains unclear.

Labcorp Genetics (formerly Invitae), Labcorp
Classification: Uncertain significance for Catecholaminergic polymorphic ventricular tachycardia 1. Last evaluated: 2022-08-08. Review status: criteria provided, single submitter. Criteria: Invitae Variant Classification Sherloc (09022015). Collection method: clinical testing. Allele origin: germline.
Comment: This sequence change falls in intron 9 of the TRDN gene. It does not directly change the encoded amino acid sequence of the TRDN protein. It affects a nucleotide within the consensus splice site. The frequency data for this variant in the population databases is considered unreliable, as metrics indicate poor data quality at this position in the gnomAD database. This variant has not been reported in the literature in individuals affected with TRDN-related conditions. ClinVar contains an entry for this variant (Variation ID: 1302314). Variants that disrupt the consensus splice site are a relatively common cause of aberrant splicing (PMID: 17576681, 9536098). Algorithms developed to predict the effect of sequence changes on RNA splicing suggest that this variant may disrupt the consensus splice site. In summary, the available evidence is currently insufficient to determine the role of this variant in disease. Therefore, it has been classified as a Variant of Uncertain Significance.

Literature cited by the submitters: PubMed 17576681 (cited by Labcorp Genetics (formerly Invitae), Labcorp); PubMed 9536098 (cited by Labcorp Genetics (formerly Invitae), Labcorp).